The following is an entry in ClinVar:

NM_144643.4(SCLT1):c.1975G>A (p.Glu659Lys)

Gene: SCLT1 (sodium channel and clathrin linker 1; minus strand). Cytogenetic location: 4q28.2.
Variant type: single nucleotide variant.
Coding change: c.1975G>A on transcript NM_144643.4 (MANE Select); coding-DNA position 1975, G replaced by A.
Protein change: p.Glu659Lys; replaces glutamic acid 659 with lysine.
Molecular consequence: missense variant.
Genome position (GRCh38, 1-based): chr4:128,888,708, C>T on the plus strand (G>A on the coding strand, the complement: SCLT1 is on the minus strand). VCF-style: chr4-128888708-C-T. GRCh37 (hg19) VCF-style: chr4-129809863-C-T.
Other names: c.1975G>A (NM_144643.3); short protein forms E659K.
Identifiers: ClinVar variation 1347359 (VCV001347359.7), dbSNP rs2125921813, ClinGen allele CA358187496.

ClinVar aggregate classification (germline): Uncertain significance. Review status: criteria provided, multiple submitters, no conflicts (2 of 4 stars). 2 submissions from 2 submitters: Uncertain significance (2). Last evaluated 2025-03-05.

Conditions:
SCLT1-related disorder. Also called: SCLT1-related condition.

Allele frequency attached by ClinVar (database versions not stated): gnomAD exomes below 0.00001.
gnomAD v4.1: 1 of 1,612,844 alleles (0.000062%); highest among the groups gnomAD compares: Non-Finnish European, 0.000085%; no homozygotes.

Submissions (2):

PreventionGenetics, part of Exact Sciences
Classification: Uncertain significance for SCLT1-related condition. Last evaluated: 2025-03-05. Review status: criteria provided, single submitter. Criteria: ACMG Guidelines, 2015. Collection method: clinical testing. Allele origin: germline.
Comment: The SCLT1 c.1975G>A variant is predicted to result in the amino acid substitution p.Glu659Lys. To our knowledge, this variant has not been reported in the literature or in a large population database (gnomAD), indicating this variant is rare. At this time, the clinical significance of this variant is uncertain due to the absence of conclusive functional and genetic evidence.

Labcorp Genetics (formerly Invitae), Labcorp
Classification: Uncertain significance. Last evaluated: 2021-11-24. Review status: criteria provided, single submitter. Criteria: Invitae Variant Classification Sherloc (09022015). Collection method: clinical testing. Allele origin: germline.
Comment: In summary, the available evidence is currently insufficient to determine the role of this variant in disease. Therefore, it has been classified as a Variant of Uncertain Significance. Algorithms developed to predict the effect of missense changes on protein structure and function are either unavailable or do not agree on the potential impact of this missense change (SIFT: "Deleterious"; PolyPhen-2: "Probably Damaging"; Align-GVGD: "Class C0"). This variant has not been reported in the literature in individuals affected with SCLT1-related conditions. This variant is not present in population databases (gnomAD no frequency). This sequence change replaces glutamic acid, which is acidic and polar, with lysine, which is basic and polar, at codon 659 of the SCLT1 protein (p.Glu659Lys).